The following is an entry in ClinVar:

NM_173689.7(CRB2):c.3633G>A (p.Ala1211=)

Gene: CRB2 (crumbs cell polarity complex component 2; plus strand). Cytogenetic location: 9q33.3.
Variant type: single nucleotide variant.
Coding change: c.3633G>A on transcript NM_173689.7 (MANE Select); coding-DNA position 3633, G replaced by A.
Protein change: p.Ala1211=; no amino-acid change (alanine 1211 retained).
Molecular consequence: synonymous variant. On other transcripts: non-coding transcript variant (1).
Genome position (GRCh38, 1-based): chr9:123,375,343, G>A. VCF-style: chr9-123375343-G-A. GRCh37 (hg19) VCF-style: chr9-126137622-G-A.
Identifiers: ClinVar variation 3694144 (VCV003694144.2).

ClinVar aggregate classification (germline): Uncertain significance (1 of 4 stars; one submission).

gnomAD v4.1: 13 of 1,585,510 alleles (0.00082%); highest among the groups gnomAD compares: African/African-American, 0.0013%; no homozygotes.

Submission:

Labcorp Genetics (formerly Invitae), Labcorp
Classification: Uncertain significance. Last evaluated: 2025-10-02. Review status: criteria provided, single submitter. Criteria: Invitae Variant Classification Sherloc (09022015). Collection method: clinical testing. Allele origin: germline.
Comment: This sequence change affects codon 1211 of the CRB2 mRNA. It is a 'silent' change, meaning that it does not change the encoded amino acid sequence of the CRB2 protein. This variant also falls at the last nucleotide of exon 12, which is part of the consensus splice site for this exon. The frequency data for this variant in the population databases is considered unreliable, as metrics indicate poor data quality at this position in the gnomAD database. This variant has not been reported in the literature in individuals affected with CRB2-related conditions. ClinVar contains an entry for this variant (Variation ID: 3694144). Variants that disrupt the consensus splice site are a relatively common cause of aberrant splicing (PMID: 17576681, 9536098). Algorithms developed to predict the effect of sequence changes on RNA splicing suggest that this variant may disrupt the consensus splice site. In summary, the available evidence is currently insufficient to determine the role of this variant in disease. Therefore, it has been classified as a Variant of Uncertain Significance.

Literature cited by the submitters: PubMed 17576681; PubMed 9536098.